The following is an entry in ClinVar:

NM_001365536.1(SCN9A):c.4932_4935del (p.Phe1645fs)

Genes: SCN1A-AS1 (SCN1A and SCN9A antisense RNA 1; plus strand), SCN9A (sodium voltage-gated channel alpha subunit 9; minus strand). Cytogenetic location: 2q24.3.
Variant type: Deletion.
Coding change: c.4932_4935del on transcript NM_001365536.1 (MANE Select); coding-DNA positions 4932 to 4935, 4 bases deleted (GTTT; older notation c.4932_4935delGTTT).
Protein change: p.Phe1645fs; shifts the reading frame from phenylalanine 1645.
Molecular consequence: frameshift variant. On other transcripts: non-coding transcript variant (1).
Genome position (GRCh38, 1-based): chr2:166,199,704-166,199,707, AAAC deleted on the plus strand (GTTT on the coding strand, the reverse complement: SCN9A is on the minus strand); deleting any 4 consecutive bases within chr2:166,199,704-166,199,709 gives the same sequence; the c. name uses the placement nearest the transcript's 3' end. VCF-style (leftmost placement, unchanged base first): chr2-166199703-TAAAC-T. GRCh37 (hg19) VCF-style: chr2-167056213-TAAAC-T.
Other names: c.4899_4902delGTTT (NM_002977.3); c.4897_4900delTTGT, p.Phe1634Thrfs (NM_002977.4); short protein forms F1634fs, F1645fs.
Identifiers: ClinVar variation 1705203 (VCV001705203.1), dbSNP rs866369977, ClinGen allele CA59784370.

ClinVar aggregate classification (germline): Uncertain significance (1 of 4 stars; one submission).

Submission:

Women's Health and Genetics/Laboratory Corporation of America, LabCorp
Classification: Uncertain significance. Last evaluated: 2022-08-25. Review status: criteria provided, single submitter. Criteria: LabCorp Variant Classification Summary - May 2015. Collection method: clinical testing. Allele origin: germline.
Comment: Variant summary: SCN9A c.4899_4902delGTTT (p.Phe1634ThrfsX43) results in a premature termination codon in the last exon, predicted to cause a truncation of the encoded protein or absence of the protein. The variant was absent in 251476 control chromosomes (gnomAD). The available data on variant occurrences in the general population are insufficient to allow any conclusion about variant significance. To our knowledge, no occurrence of c.4899_4902delGTTT in individuals affected with Primary Erythromelalgia and no experimental evidence demonstrating its impact on protein function have been reported. No clinical diagnostic laboratories have submitted clinical-significance assessments for this variant to ClinVar after 2014. Based on the evidence outlined above, the variant was classified as uncertain significance.